The following is an entry in ClinVar:

NM_000391.4(TPP1):c.184del (p.Ser62fs)

Gene: TPP1 (tripeptidyl peptidase 1; minus strand). Cytogenetic location: 11p15.4.
Variant type: Deletion.
Coding change: c.184del on transcript NM_000391.4 (MANE Select); coding-DNA position 184, one base deleted (T; older notation c.184delT).
Protein change: p.Ser62fs; shifts the reading frame from serine 62.
Molecular consequence: frameshift variant.
Genome position (GRCh38, 1-based): chr11:6,618,821, A deleted on the plus strand (T on the coding strand, the reverse complement: TPP1 is on the minus strand). VCF-style (leftmost placement, unchanged base first): chr11-6618820-GA-G. GRCh37 (hg19) VCF-style: chr11-6640051-GA-G.
Other names: short protein forms S62fs.
Identifiers: ClinVar variation 559497 (VCV000559497.2), dbSNP rs1554902217, ClinGen allele CA658822372.
Genomic context (GRCh38, chr11:6,618,820, plus strand): 5'-CAGTCCCAAAAGGCACCGTATTGAGGAGAGCTGGGATCCGACACAGCCTGCACCAGCTCC[GA>G]GAGTCTTTCCACATTCTGCTGTCTCAGGGCAAAGGTGAGACTCAGCTCTTCCTCAGGGTC-3'

ClinVar aggregate classification (germline): Likely pathogenic (0 of 4 stars; one submission).

Conditions:
Neuronal ceroid lipofuscinosis 2. Also called: JANSKY-BIELSCHOWSKY DISEASE NEURONAL CEROID LIPOFUSCINOSIS, LATE INFANTILE; TPP1-Related Neuronal Ceroid-Lipofuscinosis. Identifiers: Orphanet 168491, Orphanet 228349, Orphanet 79264, MedGen C1876161, MONDO:0008769, OMIM 204500.

Submission:

Foundation for Research in Genetics and Endocrinology, FRIGE's Institute of Human Genetics
Classification: Likely pathogenic for Neuronal ceroid lipofuscinosis 2. Last evaluated: 2015-07-17. Review status: no assertion criteria provided. Collection method: clinical testing. Allele origin: germline. Inheritance: Autosomal recessive inheritance. Affected: yes. Observed: 1 variant allele, 1 compound heterozygote.
Comment: The observed variant NM_000391.3:c.184delT (p.Ser62ArgfsTer19) is neither present in 1000 Genomes nor in ExAC databases. The in silico prediction of the given variant is disease causing by MutationTaster2. The given variant was identified in compound heterozygous form along with another known mutation c.857A>G (p.Asn286Ser). The mutation NM_000391.3:c.857A>G (p.Asn286Ser) was neither found in 1000 Genomes or in ExAC databases. The in silico prediction of the given mutation is disease causing by MutationTaster2, deleterious by SIFT, and probably damaging by PolyPhen2.